The following is an entry in ClinVar:

NM_025099.6(CTC1):c.2385+1G>C

Gene: CTC1 (CST telomere replication complex component 1; minus strand). Cytogenetic location: 17p13.1.
Variant type: single nucleotide variant.
Coding change: c.2385+1G>C on transcript NM_025099.6 (MANE Select); the canonical splice donor site of the intron after coding-DNA position 2385, G replaced by C.
Molecular consequence: splice donor variant.
Genome position (GRCh38, 1-based): chr17:8,231,902, C>G on the plus strand (G>C on the coding strand, the complement: CTC1 is on the minus strand). VCF-style: chr17-8231902-C-G. GRCh37 (hg19) VCF-style: chr17-8135220-C-G.
Other names: c.2385+1G>C (NM_001411067.1).
Identifiers: ClinVar variation 1489441 (VCV001489441.8), dbSNP rs2151508864, ClinGen allele CA397977022.

ClinVar aggregate classification (germline): Likely pathogenic (1 of 4 stars; one submission).

Conditions:
Dyskeratosis congenita. Identifiers: Orphanet 1775, MedGen C0265965, MONDO:0015780.

gnomAD v4.1: 1 of 1,613,676 alleles (0.000062%); highest among the groups gnomAD compares: Non-Finnish European, 0.000085%; no homozygotes.

Submission:

Labcorp Genetics (formerly Invitae), Labcorp
Classification: Likely pathogenic for Dyskeratosis congenita. Last evaluated: 2021-01-04. Review status: criteria provided, single submitter. Criteria: Invitae Variant Classification Sherloc (09022015). Collection method: clinical testing. Allele origin: germline.
Comment: In summary, the currently available evidence indicates that the variant is pathogenic, but additional data are needed to prove that conclusively. Therefore, this variant has been classified as Likely Pathogenic. Algorithms developed to predict the effect of sequence changes on RNA splicing suggest that this variant may disrupt the consensus splice site, but this prediction has not been confirmed by published transcriptional studies. This variant has not been reported in the literature in individuals with CTC1-related conditions. This variant is not present in population databases (ExAC no frequency). This sequence change affects a donor splice site in intron 13 of the CTC1 gene. It is expected to disrupt RNA splicing. Variants that disrupt the donor or acceptor splice site typically lead to a loss of protein function (PMID: 16199547), and loss-of-function variants in CTC1 are known to be pathogenic (PMID: 22267198, 22387016).

Literature cited by the submitters: PubMed 16199547; PubMed 22267198; PubMed 22387016.